The following is an entry in ClinVar:

NM_025114.4(CEP290):c.4096_4099del (p.Val1366fs)

Gene: CEP290 (centrosomal protein 290; minus strand). Cytogenetic location: 12q21.32.
Variant type: Deletion.
Coding change: c.4096_4099del on transcript NM_025114.4 (MANE Select); coding-DNA positions 4096 to 4099, 4 bases deleted (GTCA; older notation c.4096_4099delGTCA).
Protein change: p.Val1366fs; shifts the reading frame from valine 1366.
Molecular consequence: frameshift variant.
Genome position (GRCh38, 1-based): chr12:88,087,875-88,087,878, TGAC deleted on the plus strand (GTCA on the coding strand, the reverse complement: CEP290 is on the minus strand); deleting any 4 consecutive bases within chr12:88,087,875-88,087,879 gives the same sequence; the c. name uses the placement nearest the transcript's 3' end. VCF-style (leftmost placement, unchanged base first): chr12-88087874-TTGAC-T. GRCh37 (hg19) VCF-style: chr12-88481651-TTGAC-T.
Other names: short protein forms V1366fs.
Identifiers: ClinVar variation 2033718 (VCV002033718.4), dbSNP rs1308598847, ClinGen allele CA606455521.
Genomic context (GRCh38, chr12:88,087,874, plus strand): 5'-CTGATTGTACGTTCATATTCAGAAATTATGTTATTCAAATATTTTATTTCTTCTTTATCC[TTGAC>T]TAATTCCCGATTTAGTTTAAGTTCTTGAAGACGAAGTTCTTCTATTTTCATATGCCAGTT-3'

ClinVar aggregate classification (germline): Pathogenic (1 of 4 stars; one submission).

Conditions:
Joubert syndrome. Also called: CEREBELLOPARENCHYMAL DISORDER IV; JOUBERT-BOLTSHAUSER SYNDROME; Familial aplasia of the vermis. Identifiers: Orphanet 475, MedGen C5979921, MONDO:0018772.
Nephronophthisis. Also called: Juvenile Nephronophthisis. Identifiers: Orphanet 655, MedGen C0687120, MONDO:0019005, HP:0000090.
Meckel-Gruber syndrome. Also called: DYSENCEPHALIA SPLANCHNOCYSTICA; GRUBER SYNDROME; Dysencephalia splachnocystica. Identifiers: Orphanet 564, MedGen C0265215, MONDO:0018921.

Submission:

Labcorp Genetics (formerly Invitae), Labcorp
Classification: Pathogenic for Joubert syndrome; Meckel-Gruber syndrome; Nephronophthisis. Last evaluated: 2022-10-08. Review status: criteria provided, single submitter. Criteria: Invitae Variant Classification Sherloc (09022015). Collection method: clinical testing. Allele origin: germline.
Comment: This sequence change creates a premature translational stop signal (p.Val1366Argfs*6) in the CEP290 gene. It is expected to result in an absent or disrupted protein product. Loss-of-function variants in CEP290 are known to be pathogenic (PMID: 16909394, 17345604, 20690115). This variant is not present in population databases (gnomAD no frequency). This variant has not been reported in the literature in individuals affected with CEP290-related conditions. For these reasons, this variant has been classified as Pathogenic.

Literature cited by the submitters: PubMed 16909394; PubMed 17345604; PubMed 20690115.